The following is an entry in ClinVar:

ClinVar aggregate classification (germline): Uncertain significance (1 of 4 stars; one submission).

gnomAD v4.1: 1 of 1,613,918 alleles (0.000062%); highest among the groups gnomAD compares: Non-Finnish European, 0.000085%; no homozygotes.

Submission:

Labcorp Genetics (formerly Invitae), Labcorp
Classification: Uncertain significance. Last evaluated: 2024-12-23. Review status: criteria provided, single submitter. Criteria: Invitae Variant Classification Sherloc (09022015). Collection method: clinical testing. Allele origin: germline.
Comment: This sequence change replaces phenylalanine, which is neutral and non-polar, with leucine, which is neutral and non-polar, at codon 487 of the CSF2RB protein (p.Phe487Leu). This variant is not present in population databases (gnomAD no frequency). This variant has not been reported in the literature in individuals affected with CSF2RB-related conditions. Invitae Evidence Modeling of protein sequence and biophysical properties (such as structural, functional, and spatial information, amino acid conservation, physicochemical variation, residue mobility, and thermodynamic stability) has been performed for this missense variant. However, the output from this modeling did not meet the statistical confidence thresholds required to predict the impact of this variant on CSF2RB protein function. In summary, the available evidence is currently insufficient to determine the role of this variant in disease. Therefore, it has been classified as a Variant of Uncertain Significance.

NM_000395.3(CSF2RB):c.1461C>A (p.Phe487Leu)

Gene: CSF2RB (colony stimulating factor 2 receptor subunit beta; plus strand). Cytogenetic location: 22q12.3.
Variant type: single nucleotide variant.
Coding change: c.1461C>A on transcript NM_000395.3 (MANE Select); coding-DNA position 1461, C replaced by A.
Protein change: p.Phe487Leu; replaces phenylalanine 487 with leucine.
Molecular consequence: missense variant.
Genome position (GRCh38, 1-based): chr22:36,935,684, C>A. VCF-style: chr22-36935684-C-A. GRCh37 (hg19) VCF-style: chr22-37331726-C-A.
Other names: c.1479C>A, p.Phe493Leu (NM_001410827.1); short protein forms F487L, F493L.
Identifiers: ClinVar variation 3687989 (VCV003687989.2).